The following is an entry in ClinVar:

NM_000152.5(GAA):c.643G>T (p.Glu215Ter)

Gene: GAA (alpha glucosidase; plus strand). Cytogenetic location: 17q25.3.
Variant type: single nucleotide variant.
Coding change: c.643G>T on transcript NM_000152.5 (MANE Select); coding-DNA position 643, G replaced by T.
Protein change: p.Glu215Ter; replaces glutamic acid 215 with a stop codon.
Molecular consequence: nonsense.
Genome position (GRCh38, 1-based): chr17:80,105,845, G>T. VCF-style: chr17-80105845-G-T. GRCh37 (hg19) VCF-style: chr17-78079644-G-T.
Other names: NM_000152.5(GAA):c.643G>T; p.Glu215Ter; c.643G>T, p.Glu215Ter (NM_001079803.3, NM_001079804.3); short protein forms E215*.
Identifiers: ClinVar variation 935900 (VCV000935900.13), dbSNP rs201286896, ClinGen allele CA401362407.

ClinVar aggregate classification (germline): Pathogenic. Review status: reviewed by expert panel (3 of 4 stars). 4 submissions from 4 submitters: Pathogenic (1). 3 of the submissions do not count toward it. Last evaluated 2025-12-16.

Conditions:
Glycogen storage disease, type II (IOPD). Also called: POMPE DISEASE, INFANTILE-ONSET; Glucosidase acid-1,4-alpha deficiency; GLYCOGEN STORAGE DISEASE II, INFANTILE-ONSET; ACID ALPHA-GLUCOSIDASE DEFICIENCY, INFANTILE-ONSET; CARDIOMEGALIA GLYCOGENICA DIFFUSA; GLYCOGENOSIS, GENERALIZED, CARDIAC FORM. Identifiers: Orphanet 365, MedGen C0017921, MONDO:0009290, OMIM 232300.
Glycogen storage disease due to acid maltase deficiency, late-onset (LOPD). Also called: POMPE DISEASE, LATE-ONSET; GLYCOGEN STORAGE DISEASE II, LATE-ONSET; ACID ALPHA-GLUCOSIDASE DEFICIENCY, LATE-ONSET; GAA DEFICIENCY, LATE-ONSET; ACID MALTASE DEFICIENCY, LATE-ONSET; AMD, LATE-ONSET. Identifiers: Orphanet 420429, MedGen C0342753, MONDO:0018485, OMIM 621314.

Submissions (4):

ClinGen Lysosomal Storage Disorder Variant Curation Expert Panel
Classification: Pathogenic for Glycogen storage disease, type II. Last evaluated: 2025-12-16. Review status: reviewed by expert panel. Criteria: clingen_lsd_acmg_specifications_v2-1. Collection method: curation. Allele origin: germline. Inheritance: Autosomal recessive inheritance.
Comment: The NM_000152.5(GAA):c.643G>T (p.Glu215Ter) variant in GAA is a nonsense variant predicted to cause a premature stop codon in biologically-relevant-exon 3/20, leading to nonsense mediated decay in a gene in which loss-of-function is an established disease mechanism (PVS1). One patient with this variant has been reported with late onset Pompe disease, however, GAA enzyme activity levels were not provided. This patient is compound heterozygous for the c.643G>T (p.Glu215Ter) variant and a variant in GAA that has been classified as pathogenic by the ClinGen Lysosomal Diseases VCEP, c.-32-13T>G. The phase of the variants is unknown (PM3_Supporting). While this patient was diagnosed with late onset Pompe disease, GAA enzyme activity values were not provided. As a result, PP4 was not applied (PMID: 19588081). The variant is absent from gnomAD v4.1.0. There is a ClinVar entry for this variant (Variation ID: 935900; 1 star review status) with one submitter classifying the variant as pathogenic. In summary, the variant meets the criteria to be classified as pathogenic for Pompe disease by the ClinGen Lysosomal Diseases Variant Curation Expert Panel. GAA-specific ACMG/AMP criteria applied (Specifications version 2.0.0): PVS1, PM2_Supporting, PM3_Supporting. (Classification approved by the ClinGen Lysosomal Diseases Variant Curation Expert Panel on December 16, 2025).

Genomenon, Inc
Classification: Pathogenic for Glycogen storage disease, type II. Last evaluated: 2026-07-01. Review status: criteria provided, single submitter. Criteria: Genomenon Sequence Variant Interpretation Standards - Updated. Collection method: curation. Allele origin: germline. Not counted in ClinVar's aggregate classification.
Comment: GAA p.Glu215Ter (c.643G>T) is a nonsense variant that introduces a premature stop codon at amino acid position 215 and is predicted to result in a truncated or absent protein product. This variant has been reported in the compound heterozygous and/or homozygous state in at least one individual without a confirmed diagnosis of Pompe disease (PMID:19588081). It is absent or not present at a significant frequency in gnomAD. In conclusion, we classify GAA p.Glu215Ter (c.643G>T) as a pathogenic variant.

Labcorp Genetics (formerly Invitae), Labcorp
Classification: Pathogenic for Glycogen storage disease, type II. Last evaluated: 2019-08-19. Review status: criteria provided, single submitter. Criteria: Invitae Variant Classification Sherloc (09022015). Collection method: clinical testing. Allele origin: germline. Not counted in ClinVar's aggregate classification.
Comment: This sequence change creates a premature translational stop signal (p.Glu215*) in the GAA gene. It is expected to result in an absent or disrupted protein product. This variant is not present in population databases (ExAC no frequency). This variant has been observed in an individual affected with Pompe disease (PMID: 19588081). It is also known as p.Glu212X in the literature. Loss-of-function variants in GAA are known to be pathogenic (PMID: 18425781, 22252923). For these reasons, this variant has been classified as Pathogenic.

Juno Genomics, Hangzhou Juno Genomics, Inc
Classification: Pathogenic for Glycogen storage disease, type II; Glycogen storage disease due to acid maltase deficiency, late-onset. Review status: criteria provided, single submitter. Criteria: ACMG Guidelines, 2015. Collection method: clinical testing. Allele origin: germline. Not counted in ClinVar's aggregate classification.
Comment: Absent from controls (or at extremely low frequency if recessive) in Genome Aggregation Database.;Null variant in a gene where loss of function (LOF) is a known mechanism of disease.;For recessive disorders, detected in trans with a pathogenic variant.

Literature cited by the submitters: PubMed 19588081 (cited by Genomenon, Inc and Labcorp Genetics (formerly Invitae), Labcorp); PubMed 18425781 (cited by Labcorp Genetics (formerly Invitae), Labcorp); PubMed 22252923 (cited by Labcorp Genetics (formerly Invitae), Labcorp).